The following is an entry in ClinVar:

ClinVar aggregate classification (germline): Uncertain significance (1 of 4 stars; one submission).

gnomAD v4.1: 1 of 1,614,070 alleles (0.000062%); highest among the groups gnomAD compares: African/African-American, 0.0013%; no homozygotes.

Submission:

GeneDx
Classification: Uncertain significance. Last evaluated: 2024-01-16. Review status: criteria provided, single submitter. Criteria: GeneDx Variant Classification Process June 2021. Collection method: clinical testing. Allele origin: germline. Affected: yes.
Comment: Not observed at significant frequency in large population cohorts (gnomAD); In silico analysis supports that this missense variant has a deleterious effect on protein structure/function; Has not been previously published as pathogenic or benign to our knowledge

NM_002249.6(KCNN3):c.889G>T (p.Val297Phe)

Gene: KCNN3 (potassium calcium-activated channel subfamily N member 3; minus strand). Cytogenetic location: 1q21.3.
Variant type: single nucleotide variant.
Coding change: c.889G>T on transcript NM_002249.6 (MANE Select); coding-DNA position 889, G replaced by T.
Protein change: p.Val297Phe; replaces valine 297 with phenylalanine.
Molecular consequence: missense variant.
Genome position (GRCh38, 1-based): chr1:154,869,076, C>A on the plus strand (G>T on the coding strand, the complement: KCNN3 is on the minus strand). VCF-style: chr1-154869076-C-A. GRCh37 (hg19) VCF-style: chr1-154841552-C-A.
Other names: c.889G>T, p.Val297Phe (NM_001204087.2); short protein forms V297F.
Identifiers: ClinVar variation 3367536 (VCV003367536.1).